The following is an entry in ClinVar:

NM_002473.6(MYH9):c.637C>T (p.Gln213Ter)

Gene: MYH9 (myosin heavy chain 9; minus strand). Cytogenetic location: 22q12.3.
Variant type: single nucleotide variant.
Coding change: c.637C>T on transcript NM_002473.6 (MANE Select); coding-DNA position 637, C replaced by T.
Protein change: p.Gln213Ter; replaces glutamine 213 with a stop codon.
Molecular consequence: nonsense.
Genome position (GRCh38, 1-based): chr22:36,322,497, G>A on the plus strand (C>T on the coding strand, the complement: MYH9 is on the minus strand). VCF-style: chr22-36322497-G-A. GRCh37 (hg19) VCF-style: chr22-36718542-G-A.
Other names: short protein forms Q213*.
Identifiers: ClinVar variation 164463 (VCV000164463.4), dbSNP rs727503292, ClinGen allele CA177151.

ClinVar aggregate classification (germline): Uncertain significance (1 of 4 stars; one submission).

Submission:

Laboratory for Molecular Medicine, Mass General Brigham Personalized Medicine
Classification: Uncertain significance. Last evaluated: 2014-07-15. Review status: criteria provided, single submitter. Criteria: LMM Criteria. Collection method: clinical testing. Allele origin: germline. Observed: 1 variant allele.
Comment: Variant classified as Uncertain Significance - Favor Pathogenic. The Gln213X var iant in MYH9 has not been previously reported in individuals with hearing loss a nd was absent from large population studies. This nonsense variant leads to a pr emature termination codon at position 213, which is predicted to lead to a trunc ated or absent protein. The variant occurs in the myosin head domain of the MYH9 protein; however, pathogenic truncating variants have been reported in only exo n 41 (the last exon) of the MYH9 gene, which is located in the tail domain (Pecc i 2013). In addition, in vivo functional analyses in mice support a dominant neg ative mechanism of disease (Matsushita 2004); however these studies may not accu rately model human disease and haploinsufficiency may be a mechanism for pathoge nesis (Balduini 2011). Therefore, the impact of this variant on the protein and its subsequent contribution to the hearing loss cannot be determined without add itional studies. In summary, the clinical significance of this variant cannot be determined at this time.